The following is an entry in ClinVar:

ClinVar aggregate classification (germline): Uncertain significance (1 of 4 stars; one submission).

Allele frequency attached by ClinVar (database versions not stated): gnomAD exomes 0.00001; TOPMed 0.00007; gnomAD 0.00003.
gnomAD v4.1: 10 of 1,210,160 alleles (0.00083%); highest among the groups gnomAD compares: Non-Finnish European, 0.001%; no homozygotes.

Submission:

Labcorp Genetics (formerly Invitae), Labcorp
Classification: Uncertain significance. Last evaluated: 2024-04-09. Review status: criteria provided, single submitter. Criteria: Invitae Variant Classification Sherloc (09022015). Collection method: clinical testing. Allele origin: germline.
Comment: This sequence change replaces alanine, which is neutral and non-polar, with threonine, which is neutral and polar, at codon 593 of the DRP2 protein (p.Ala593Thr). This variant is present in population databases (no rsID available, gnomAD 0.01%). This variant has not been reported in the literature in individuals affected with DRP2-related conditions. ClinVar contains an entry for this variant (Variation ID: 2071870). Advanced modeling of protein sequence and biophysical properties (such as structural, functional, and spatial information, amino acid conservation, physicochemical variation, residue mobility, and thermodynamic stability) has been performed at Invitae for this missense variant, however the output from this modeling did not meet the statistical confidence thresholds required to predict the impact of this variant on DRP2 protein function. In summary, the available evidence is currently insufficient to determine the role of this variant in disease. Therefore, it has been classified as a Variant of Uncertain Significance.

NM_001939.3(DRP2):c.1777G>A (p.Ala593Thr)

Gene: DRP2 (dystrophin related protein 2; plus strand). Cytogenetic location: Xq22.1.
Variant type: single nucleotide variant.
Coding change: c.1777G>A on transcript NM_001939.3 (MANE Select); coding-DNA position 1777, G replaced by A.
Protein change: p.Ala593Thr; replaces alanine 593 with threonine.
Molecular consequence: missense variant.
Genome position (GRCh38, 1-based): chrX:101,250,995, G>A. VCF-style: chrX-101250995-G-A. GRCh37 (hg19) VCF-style: chrX-100505984-G-A.
Other names: c.1543G>A, p.Ala515Thr (NM_001171184.2); short protein forms A515T, A593T.
Identifiers: ClinVar variation 2071870 (VCV002071870.4), dbSNP rs943479423, ClinGen allele CA333091259.